The following is an entry in ClinVar:

NM_001358921.2(COQ2):c.345_346inv (p.Gly116Ser)

Gene: COQ2 (coenzyme Q2, polyprenyltransferase; minus strand). Cytogenetic location: 4q21.23.
Variant type: Inversion.
Coding change: c.345_346inv on transcript NM_001358921.2 (MANE Select).
Protein change: p.Gly116Ser; replaces glycine 116 with serine.
Molecular consequence: missense variant.
Genome position: GRCh38 VCF-style: chr4-83279022-CA-TG. GRCh37 (hg19) VCF-style: chr4-84200175-CA-TG.
Other names: c.495_496inv, p.Gly166Ser (NM_015697.9); short protein forms G166S, G116S.
Identifiers: ClinVar variation 2170733 (VCV002170733.4), ClinGen allele CA2580071836.

ClinVar aggregate classification (germline): Uncertain significance (1 of 4 stars; one submission).

Submission:

Labcorp Genetics (formerly Invitae), Labcorp
Classification: Uncertain significance. Last evaluated: 2022-07-30. Review status: criteria provided, single submitter. Criteria: Invitae Variant Classification Sherloc (09022015). Collection method: clinical testing. Allele origin: germline.
Comment: In summary, the available evidence is currently insufficient to determine the role of this variant in disease. Therefore, it has been classified as a Variant of Uncertain Significance. This sequence change replaces glycine, which is neutral and non-polar, with serine, which is neutral and polar, at codon 166 of the COQ2 protein (p.Gly166Ser). Information on the frequency of this variant in the gnomAD database is not available, as this variant may be reported differently in the database. This variant has not been reported in the literature in individuals affected with COQ2-related conditions. Experimental studies and prediction algorithms are not available or were not evaluated, and the functional significance of this variant is currently unknown.